The following is an entry in ClinVar:

NM_006019.4(TCIRG1):c.242del (p.Pro81fs)

Gene: TCIRG1 (T cell immune regulator 1, ATPase H+ transporting V0 subunit a3; plus strand). Cytogenetic location: 11q13.2.
Variant type: Deletion.
Coding change: c.242del on transcript NM_006019.4 (MANE Select); coding-DNA position 242, one base deleted (C; older notation c.242delC).
Protein change: p.Pro81fs; shifts the reading frame from proline 81.
Molecular consequence: frameshift variant. On other transcripts: 5 prime UTR variant (1).
Genome position (GRCh38, 1-based): chr11:68,042,688, C deleted; the last of 5 consecutive C bases (chr11:68,042,684-68,042,688); deleting any one gives the same sequence. VCF-style (leftmost placement, unchanged base first): chr11-68042683-GC-G. GRCh37 (hg19) VCF-style: chr11-67810150-GC-G.
Other names: c.-1008del (NM_001351059.2); c.242delC (NM_006019.4); short protein forms P81fs.
Identifiers: ClinVar variation 551450 (VCV000551450.12), dbSNP rs1208311085, ClinGen allele CA658821815.

ClinVar aggregate classification (germline): Pathogenic/Likely pathogenic. Review status: criteria provided, multiple submitters, no conflicts (2 of 4 stars). 6 submissions from 6 submitters: Pathogenic (4); Likely pathogenic (1). 1 of the submissions does not count toward it. Last evaluated 2025-07-01.

Conditions:
Osteopetrosis. Identifiers: Orphanet 2781, MedGen C0029454, MONDO:0017198, HP:0011002.
Autosomal recessive osteopetrosis 1. Also called: TCIRG1-Related Autosomal Recessive Osteopetrosis; TCIRG1-Related Osteopetrosis; ALBERS-SCHONBERG DISEASE, AUTOSOMAL RECESSIVE. Identifiers: Orphanet 667, MedGen C1850127, MONDO:0009815, OMIM 259700.

Submissions (6):

Women's Health and Genetics/Laboratory Corporation of America, LabCorp
Classification: Pathogenic for Osteopetrosis. Last evaluated: 2025-07-01. Review status: criteria provided, single submitter. Criteria: LabCorp Variant Classification Summary - May 2015. Collection method: clinical testing. Allele origin: germline.
Comment: Variant summary: TCIRG1 c.242delC (p.Pro81ArgfsX85) results in a premature termination codon, predicted to cause a truncation of the encoded protein or absence of the protein due to nonsense mediated decay, which are commonly known mechanisms for disease. The variant was absent in 139554 control chromosomes. c.242delC has been observed in individual(s) affected with infantile malignant osteopetrosis (e.g. Yuan_2011). The following publication have been ascertained in the context of this evaluation (PMID: 21042819). ClinVar contains an entry for this variant (Variation ID: 551450). Based on the evidence outlined above, the variant was classified as pathogenic.

Natera, Inc.
Classification: Pathogenic for Infantile malignant osteopetrosis. Last evaluated: 2025-02-22. Review status: criteria provided, single submitter. Criteria: Natera Variant Classification Schema (03/2026). Collection method: clinical testing. Allele origin: germline.
Comment: The c.242delC variant in TCIRG1 is a frameshift variant predicted to shift the reading frame beginning at codon 81 and leads to a stop codon 85 codons downstream. This variant is expected to result in nonsense mediated decay, truncation, or a dysfunctional protein product. This variant is rare in the general population with a frequency below the threshold expected for the associated phenotype(s). This variant has been observed in one or more individuals affected with the associated recessive disease, as either homozygous or compound heterozygous with a second variant (PMID: 21042819). Given the available evidence, this variant is classified as Pathogenic.

Labcorp Genetics (formerly Invitae), Labcorp
Classification: Pathogenic. Last evaluated: 2024-03-03. Review status: criteria provided, single submitter. Criteria: Invitae Variant Classification Sherloc (09022015). Collection method: clinical testing. Allele origin: germline.
Comment: This sequence change creates a premature translational stop signal (p.Pro81Argfs*85) in the TCIRG1 gene. It is expected to result in an absent or disrupted protein product. Loss-of-function variants in TCIRG1 are known to be pathogenic (PMID: 10888887, 10942435, 11532986, 19448635). This variant is not present in population databases (gnomAD no frequency). This premature translational stop signal has been observed in individual(s) with infantile malignant osteopetrosis (PMID: 21042819). ClinVar contains an entry for this variant (Variation ID: 551450). For these reasons, this variant has been classified as Pathogenic.

Baylor Genetics
Classification: Likely pathogenic for Autosomal recessive osteopetrosis 1. Last evaluated: 2023-09-24. Review status: criteria provided, single submitter. Criteria: ACMG Guidelines, 2015. Collection method: clinical testing. Allele origin: unknown.

Fulgent Genetics
Classification: Pathogenic for Autosomal recessive osteopetrosis 1. Last evaluated: 2022-01-05. Review status: criteria provided, single submitter. Criteria: ACMG Guidelines, 2015. Collection method: clinical testing. Allele origin: unknown.

Counsyl
Classification: Likely pathogenic for Autosomal recessive osteopetrosis 1. Last evaluated: 2017-04-11. Review status: no assertion criteria provided. Collection method: clinical testing. Allele origin: unknown. Not counted in ClinVar's aggregate classification.

Literature cited by the submitters: PubMed 21042819 (cited by 4 submitters); PubMed 10888887 (cited by Labcorp Genetics (formerly Invitae), Labcorp); PubMed 10942435 (cited by Labcorp Genetics (formerly Invitae), Labcorp); PubMed 11532986 (cited by Labcorp Genetics (formerly Invitae), Labcorp); PubMed 19448635 (cited by Labcorp Genetics (formerly Invitae), Labcorp).